The following is an entry in ClinVar:

ClinVar aggregate classification (germline): Pathogenic (1 of 4 stars; one submission).

Conditions:
Immunodeficiency 14 (IMD14A). Also called: p110-DELTA-ACTIVATING MUTATION CAUSING SENESCENT T CELLS, LYMPHADENOPATHY, AND IMMUNODEFICIENCY; ACTIVATED PI3K-DELTA SYNDROME 1; Activated PI3K Delta Syndrome Type 1 (APDS1); IMMUNODEFICIENCY 14A WITH LYMPHOPROLIFERATION, AUTOSOMAL DOMINANT. Identifiers: Orphanet 397596, Orphanet 693661, MedGen C5907821, MONDO:0014222, OMIM 615513.

Submission:

Labcorp Genetics (formerly Invitae), Labcorp
Classification: Pathogenic for Activated PI3K-delta syndrome. Last evaluated: 2026-01-27. Review status: criteria provided, single submitter. Criteria: Invitae Variant Classification Sherloc (09022015). Collection method: clinical testing. Allele origin: germline.
Comment: This sequence change creates a premature translational stop signal (p.Gln75*) in the PIK3CD gene. It is expected to result in an absent or disrupted protein product. Loss-of-function variants in PIK3CD are known to be pathogenic (PMID: 30040974, 31073077). This variant is not present in population databases (gnomAD no frequency). This variant has not been reported in the literature in individuals affected with PIK3CD-related conditions. For these reasons, this variant has been classified as Pathogenic.

Literature cited by the submitters: PubMed 30040974; PubMed 31073077.

NM_005026.5(PIK3CD):c.223C>T (p.Gln75Ter)

Gene: PIK3CD (phosphatidylinositol-4,5-bisphosphate 3-kinase catalytic subunit delta; plus strand). Cytogenetic location: 1p36.22.
Variant type: single nucleotide variant.
Coding change: c.223C>T on transcript NM_005026.5 (MANE Select); coding-DNA position 223, C replaced by T.
Protein change: p.Gln75Ter; replaces glutamine 75 with a stop codon.
Molecular consequence: nonsense.
Genome position (GRCh38, 1-based): chr1:9,715,622, C>T. VCF-style: chr1-9715622-C-T. GRCh37 (hg19) VCF-style: chr1-9775680-C-T.
Other names: c.223C>T, p.Gln75Ter (NM_001350234.2, NM_001350235.1, NM_001437546.1 and 3 more transcripts); short protein forms Q75*.
Identifiers: ClinVar variation 4735607 (VCV004735607.1).